The following is an entry in ClinVar:

NM_177438.3(DICER1):c.3320T>C (p.Phe1107Ser)

Gene: DICER1 (dicer 1, ribonuclease III; minus strand). Cytogenetic location: 14q32.13.
Variant type: single nucleotide variant.
Coding change: c.3320T>C on transcript NM_177438.3 (MANE Select); coding-DNA position 3320, T replaced by C.
Protein change: p.Phe1107Ser; replaces phenylalanine 1107 with serine.
Molecular consequence: missense variant. On other transcripts: non-coding transcript variant (4).
Genome position (GRCh38, 1-based): chr14:95,104,076, A>G on the plus strand (T>C on the coding strand, the complement: DICER1 is on the minus strand). VCF-style: chr14-95104076-A-G. GRCh37 (hg19) VCF-style: chr14-95570413-A-G.
Other names: c.3320T>C, p.Phe1107Ser (NM_001195573.1, NM_001271282.3, NM_001291628.2 and 13 more transcripts); c.3038T>C, p.Phe1013Ser (NM_001395686.1); c.2915T>C, p.Phe972Ser (NM_001395687.1, NM_001395688.1, NM_001395689.1 and 2 more transcripts); c.2753T>C, p.Phe918Ser (NM_001395691.1); c.1637T>C, p.Phe546Ser (NM_001395697.1); short protein forms F1013S, F1107S, F546S, F972S, F918S.
Identifiers: ClinVar variation 1730198 (VCV001730198.2), dbSNP rs1891187843, ClinGen allele CA390875920.

ClinVar aggregate classification (germline): Uncertain significance (1 of 4 stars; one submission).

Conditions:
Hereditary cancer-predisposing syndrome. Also called: Neoplastic Syndromes, Hereditary; Tumor predisposition; Hereditary Cancer Syndrome; Hereditary neoplastic syndrome. Identifiers: Orphanet 140162, MedGen C0027672, MeSH D009386, MONDO:0015356.

Allele frequency attached by ClinVar (database versions not stated): gnomAD 0.00001.
gnomAD v4.1: 1 of 1,613,970 alleles (0.000062%); highest among the groups gnomAD compares: African/African-American, 0.0013%; no homozygotes.

Submission:

Ambry Genetics
Classification: Uncertain significance for Hereditary cancer-predisposing syndrome. Last evaluated: 2020-01-07. Review status: criteria provided, single submitter. Criteria: Ambry Variant Classification Scheme 2023. Collection method: clinical testing. Allele origin: germline.
Comment: The p.F1107S variant (also known as c.3320T>C), located in coding exon 20 of the DICER1 gene, results from a T to C substitution at nucleotide position 3320. The phenylalanine at codon 1107 is replaced by serine, an amino acid with highly dissimilar properties. This amino acid position is highly conserved in available vertebrate species. In addition, the in silico prediction for this alteration is inconclusive. Since supporting evidence is limited at this time, the clinical significance of this alteration remains unclear.